The following is an entry in ClinVar:

NM_001211.6(BUB1B):c.839A>G (p.Asp280Gly)

Gene: BUB1B (BUB1 mitotic checkpoint serine/threonine kinase B; plus strand). Cytogenetic location: 15q15.1.
Variant type: single nucleotide variant.
Coding change: c.839A>G on transcript NM_001211.6 (MANE Select); coding-DNA position 839, A replaced by G.
Protein change: p.Asp280Gly; replaces aspartic acid 280 with glycine.
Molecular consequence: missense variant.
Genome position (GRCh38, 1-based): chr15:40,185,252, A>G. VCF-style: chr15-40185252-A-G. GRCh37 (hg19) VCF-style: chr15-40477453-A-G.
Other names: short protein forms D280G.
Identifiers: ClinVar variation 4828772 (VCV004828772.1).

ClinVar aggregate classification (germline): Uncertain significance (1 of 4 stars; one submission).

Conditions:
Inborn genetic diseases. Identifiers: MedGen C0950123, MeSH D030342.

Submission:

Ambry Genetics
Classification: Uncertain significance for Inborn genetic diseases. Last evaluated: 2026-03-03. Review status: criteria provided, single submitter. Criteria: Ambry Variant Classification Scheme 2023. Collection method: clinical testing. Allele origin: germline.
Comment: The p.D280G variant (also known as c.839A>G), located in coding exon 7 of the BUB1B gene, results from an A to G substitution at nucleotide position 839. The aspartic acid at codon 280 is replaced by glycine, an amino acid with similar properties. This amino acid position is conserved. In addition, this alteration is predicted to be tolerated by in silico analysis. Based on the available evidence, the clinical significance of this variant remains unclear.